The following is an entry in ClinVar:

NM_001353788.2(APBA2):c.2223G>A (p.Thr741=)

Gene: APBA2 (amyloid beta precursor protein binding family A member 2; plus strand). Cytogenetic location: 15q13.1.
Variant type: single nucleotide variant.
Coding change: c.2223G>A on transcript NM_001353788.2 (MANE Select); coding-DNA position 2223, G replaced by A.
Protein change: p.Thr741=; no amino-acid change (threonine 741 retained).
Molecular consequence: synonymous variant.
Genome position (GRCh38, 1-based): chr15:29,117,106, G>A. VCF-style: chr15-29117106-G-A. GRCh37 (hg19) VCF-style: chr15-29409309-G-A.
Other names: NC_000015.9:g.29409309G>A; c.2187G>A, p.Thr729= (NM_001130414.1, NM_001353792.2, NM_001353793.2 and 1 more transcripts); c.2223G>A, p.Thr741= (NM_001353789.2, NM_001353790.2, NM_001353791.2 and 2 more transcripts); c.1335G>A, p.Thr445= (NM_001353796.2); c.1299G>A, p.Thr433= (NM_001353797.2).
Identifiers: ClinVar variation 3046555 (VCV003046555.3), dbSNP rs761106891, ClinGen allele CA7445773.

ClinVar aggregate classification (germline): Likely benign (0 of 4 stars; one submission).

Conditions:
APBA2-related disorder. Also called: APBA2-related condition.

Allele frequency attached by ClinVar (database versions not stated): TOPMed 0.00003; gnomAD 0.00004.
gnomAD v4.1: 124 of 1,613,148 alleles (0.0077%); highest among the groups gnomAD compares: Middle Eastern, 0.21%; no homozygotes.

Submissions (2):

PreventionGenetics, part of Exact Sciences
Classification: Likely benign for APBA2-related condition. Last evaluated: 2019-04-25. Review status: no assertion criteria provided. Collection method: clinical testing. Allele origin: germline.
Comment: This variant is classified as likely benign based on ACMG/AMP sequence variant interpretation guidelines (Richards et al. 2015 PMID: 25741868, with internal and published modifications).

Dr. Peter K. Rogan Lab, Western University
No classification provided (evidence only). Condition: Thymoma. Review status: no classification provided. Collection method: in vitro. Allele origin: not applicable. Functional consequence: retained intron. Not counted in ClinVar's aggregate classification.